The following is an entry in ClinVar:

ClinVar aggregate classification (germline): Uncertain significance (1 of 4 stars; one submission).

Conditions:
Duchenne muscular dystrophy (DMD). Also called: MUSCULAR DYSTROPHY, PSEUDOHYPERTROPHIC PROGRESSIVE, DUCHENNE TYPE; Duchenne Muscular Dystrophy (DMD). Identifiers: Orphanet 98896, MedGen C0013264, MONDO:0010679, OMIM 310200.

Submission:

Labcorp Genetics (formerly Invitae), Labcorp
Classification: Uncertain significance for Duchenne muscular dystrophy. Last evaluated: 2021-03-20. Review status: criteria provided, single submitter. Criteria: Invitae Variant Classification Sherloc (09022015). Collection method: clinical testing. Allele origin: germline.
Comment: This sequence change replaces lysine with threonine at codon 1195 of the DMD protein (p.Lys1195Thr). The lysine residue is weakly conserved and there is a moderate physicochemical difference between lysine and threonine. In summary, the available evidence is currently insufficient to determine the role of this variant in disease. Therefore, it has been classified as a Variant of Uncertain Significance. Algorithms developed to predict the effect of missense changes on protein structure and function output the following: SIFT: "Tolerated"; PolyPhen-2: "Benign"; Align-GVGD: "Class C0". The threonine amino acid residue is found in multiple mammalian species, suggesting that this missense change does not adversely affect protein function. These predictions have not been confirmed by published functional studies and their clinical significance is uncertain. This variant has not been reported in the literature in individuals with DMD-related conditions. This variant is not present in population databases (ExAC no frequency).

NM_004006.3(DMD):c.3584A>C (p.Lys1195Thr)

Gene: DMD (dystrophin; minus strand). Cytogenetic location: Xp21.1.
Variant type: single nucleotide variant.
Coding change: c.3584A>C on transcript NM_004006.3 (MANE Select); coding-DNA position 3584, A replaced by C.
Protein change: p.Lys1195Thr; replaces lysine 1195 with threonine.
Molecular consequence: missense variant.
Genome position (GRCh38, 1-based): chrX:32,454,681, T>G on the plus strand (A>C on the coding strand, the complement: DMD is on the minus strand). VCF-style: chrX-32454681-T-G. GRCh37 (hg19) VCF-style: chrX-32472798-T-G.
Other names: c.3560A>C, p.Lys1187Thr (NM_000109.4); c.3572A>C, p.Lys1191Thr (NM_004009.3); c.3215A>C, p.Lys1072Thr (NM_004010.3); short protein forms K1072T, K1187T, K1195T, K1191T.
Identifiers: ClinVar variation 1517820 (VCV001517820.8), dbSNP rs2148348244, ClinGen allele CA412662875.